The following is an entry in ClinVar:

NM_001040142.2(SCN2A):c.3566G>A (p.Gly1189Asp)

Gene: SCN2A (sodium voltage-gated channel alpha subunit 2; plus strand). Cytogenetic location: 2q24.3.
Variant type: single nucleotide variant.
Coding change: c.3566G>A on transcript NM_001040142.2 (MANE Select); coding-DNA position 3566, G replaced by A.
Protein change: p.Gly1189Asp; replaces glycine 1189 with aspartic acid.
Molecular consequence: missense variant.
Genome position (GRCh38, 1-based): chr2:165,367,262, G>A. VCF-style: chr2-165367262-G-A. GRCh37 (hg19) VCF-style: chr2-166223772-G-A.
Other names: c.3566G>A, p.Gly1189Asp (NM_001040143.2, NM_001371246.1, NM_001371247.1 and 1 more transcripts); short protein forms G1189D.
Identifiers: ClinVar variation 844776 (VCV000844776.13), dbSNP rs540994733, ClinGen allele CA1940137.

ClinVar aggregate classification (germline): Likely benign. Review status: criteria provided, multiple submitters, no conflicts (2 of 4 stars). 3 submissions from 3 submitters: Likely benign (2). 1 of the submissions does not count toward it. Last evaluated 2024-06-05.

Conditions:
Developmental and epileptic encephalopathy, 11 (DEE11). Also called: Early infantile epileptic encephalopathy 11. Identifiers: Orphanet 1934, MedGen C3150987, MONDO:0013388, OMIM 613721.
Seizures, benign familial infantile, 3 (BFIS3). Also called: Familial neonatal seizures; CONVULSIONS, BENIGN FAMILIAL INFANTILE, 3. Identifiers: Orphanet 140927, Orphanet 306, MedGen C1843140, MONDO:0011904, OMIM 607745.
SCN2A-related disorder. Also called: SCN2A-related condition; SCN2A-related disorders. Identifiers: MedGen CN382226, MONDO:1060245.

Allele frequency attached by ClinVar (database versions not stated): gnomAD below 0.00001 and 0.00001; TOPMed 0.00001.
gnomAD v4.1: 39 of 1,613,990 alleles (0.0024%); highest among the groups gnomAD compares: South Asian, 0.027%; no homozygotes.

Submissions (3):

Labcorp Genetics (formerly Invitae), Labcorp
Classification: Likely benign for Seizures, benign familial infantile, 3; Developmental and epileptic encephalopathy, 11. Last evaluated: 2024-06-05. Review status: criteria provided, single submitter. Criteria: Invitae Variant Classification Sherloc (09022015). Collection method: clinical testing. Allele origin: germline.

Blueprint Genetics
Classification: Likely benign. Last evaluated: 2024-04-15. Review status: criteria provided, single submitter. Criteria: ACMG Guidelines, 2015. Collection method: clinical testing. Allele origin: germline.

PreventionGenetics, part of Exact Sciences
Classification: Likely benign for SCN2A-related condition. Last evaluated: 2022-09-07. Review status: no assertion criteria provided. Collection method: clinical testing. Allele origin: germline. Not counted in ClinVar's aggregate classification.
Comment: This variant is classified as likely benign based on ACMG/AMP sequence variant interpretation guidelines (Richards et al. 2015 PMID: 25741868, with internal and published modifications).